The following is an entry in ClinVar:

NM_138386.3(NAF1):c.715A>G (p.Lys239Glu)

Gene: NAF1 (nuclear assembly factor 1 ribonucleoprotein; minus strand). Cytogenetic location: 4q32.2.
Variant type: single nucleotide variant.
Coding change: c.715A>G on transcript NM_138386.3 (MANE Select); coding-DNA position 715, A replaced by G.
Protein change: p.Lys239Glu; replaces lysine 239 with glutamic acid.
Molecular consequence: missense variant.
Genome position (GRCh38, 1-based): chr4:163,145,784, T>C on the plus strand (A>G on the coding strand, the complement: NAF1 is on the minus strand). VCF-style: chr4-163145784-T-C. GRCh37 (hg19) VCF-style: chr4-164066936-T-C.
Other names: c.715A>G, p.Lys239Glu (NM_001128931.2); short protein forms K239E.
Identifiers: ClinVar variation 4766431 (VCV004766431.1).

ClinVar aggregate classification (germline): Uncertain significance (1 of 4 stars; one submission).

Submission:

Labcorp Genetics (formerly Invitae), Labcorp
Classification: Uncertain significance. Last evaluated: 2025-09-12. Review status: criteria provided, single submitter. Criteria: Invitae Variant Classification Sherloc (09022015). Collection method: clinical testing. Allele origin: germline.
Comment: This sequence change replaces lysine, which is basic and polar, with glutamic acid, which is acidic and polar, at codon 239 of the NAF1 protein (p.Lys239Glu). This variant is not present in population databases (gnomAD no frequency). This variant has not been reported in the literature in individuals affected with NAF1-related conditions. An algorithm developed to predict the effect of missense changes on protein structure and function (PolyPhen-2) suggests that this variant is likely to be disruptive. In summary, the available evidence is currently insufficient to determine the role of this variant in disease. Therefore, it has been classified as a Variant of Uncertain Significance.